The following is an entry in ClinVar:

ClinVar aggregate classification (germline): not provided (0 of 4 stars; one submission).

Submission:

Genomic Research Center, Shahid Beheshti University of Medical Sciences
No classification provided. Review status: no classification provided. Collection method: not provided. Allele origin: somatic.
ClinVar note: Converted during submission from untested to not provided.

NC_000011.10:g.17276557A>C

Variant type: single nucleotide variant.
Genome position: GRCh38 VCF-style: chr11-17276557-A-C. GRCh37 (hg19) VCF-style: chr11-17298104-A-C.
Other names: rs186174.
Identifiers: ClinVar variation 127107 (VCV000127107.4), dbSNP rs186174, ClinGen allele CA249787.
Genomic context (GRCh38, chr11:17,276,557, plus strand): 5'-GAGGCGCGGCCTCCTGAGCCCGCATCTCAGAGCGCCACGTCCCTCCTGGCTCAGCCTCCC[A>C]CCAGGCTCCACAGCTTCGGCCCTCCTCACCGCCCGCCTCCAGGCTCCCCGGCGCGGCCTT-3'